The following is an entry in ClinVar:

ClinVar aggregate classification (germline): Pathogenic/Likely pathogenic. Review status: criteria provided, multiple submitters, no conflicts (2 of 4 stars). 10 submissions from 9 submitters: Pathogenic (6); Likely pathogenic (3). 1 of the submissions does not count toward it. Last evaluated 2025-10-21.

Conditions:
BCS1L-related disorder. Also called: BCS1L-related condition; BCS1L-related disorders. Identifiers: MedGen CN239240.
Mitochondrial complex III deficiency nuclear type 1. Identifiers: Orphanet 254902, MedGen C3541471, MONDO:0007415, OMIM 124000.
GRACILE syndrome (FLNMS). Also called: FELLMAN SYNDROME; FINNISH LETHAL NEONATAL METABOLIC SYNDROME. Identifiers: Orphanet 53693, MedGen C1864002, MONDO:0011308, OMIM 603358.
Pili torti-deafness syndrome (BJS). Also called: Bjornstad syndrome; PILI TORTI AND NERVE DEAFNESS. Identifiers: Orphanet 123, MedGen C0266006, MONDO:0009872, OMIM 262000.

Allele frequency attached by ClinVar (database versions not stated): gnomAD exomes 0.00002 and 0.00004; ExAC 0.00005; gnomAD 0.00005; TOPMed 0.00005; ESP Exome Variant Server 0.00008.

Submissions (10):

Natera, Inc.
Classification: Likely pathogenic for GRACILE syndrome. Last evaluated: 2025-10-21. Review status: criteria provided, single submitter. Criteria: Natera Variant Classification Schema (03/2026). Collection method: clinical testing. Allele origin: germline.
Comment: The c.871C>T variant in BCS1L is a nonsense variant predicted to introduce a stop codon at amino acid 291. This variant is expected to result in nonsense mediated decay, truncation, or a dysfunctional protein product. This variant is rare in the general population with a frequency below the threshold expected for the associated phenotype(s). Given the available evidence, this variant is classified as Likely Pathogenic.

Labcorp Genetics (formerly Invitae), Labcorp
Classification: Pathogenic. Last evaluated: 2025-04-28. Review status: criteria provided, single submitter. Criteria: Invitae Variant Classification Sherloc (09022015). Collection method: clinical testing. Allele origin: germline.
Comment: This sequence change creates a premature translational stop signal (p.Arg291*) in the BCS1L gene. It is expected to result in an absent or disrupted protein product. Loss-of-function variants in BCS1L are known to be pathogenic (PMID: 12215968, 17314340, 19162478, 19508421, 22277166, 25895478). This variant is present in population databases (rs201454788, gnomAD 0.005%). This premature translational stop signal has been observed in individual(s) with Bjornstad syndrome (PMID: 17314340). ClinVar contains an entry for this variant (Variation ID: 214162). For these reasons, this variant has been classified as Pathogenic.

Fulgent Genetics
Classification: Pathogenic for Mitochondrial complex III deficiency nuclear type 1; Pili torti-deafness syndrome; GRACILE syndrome. Last evaluated: 2024-05-27. Review status: criteria provided, single submitter. Criteria: ACMG Guidelines, 2015. Collection method: clinical testing. Allele origin: germline.

Baylor Genetics
Classification: Pathogenic for Pili torti-deafness syndrome. Last evaluated: 2024-03-12. Review status: criteria provided, single submitter. Criteria: ACMG Guidelines, 2015. Collection method: clinical testing. Allele origin: unknown.

Molecular Genetics, Royal Melbourne Hospital
Classification: Pathogenic for Pili torti-deafness syndrome. Last evaluated: 2023-03-30. Review status: criteria provided, single submitter. Criteria: ACMG Guidelines, 2015. Collection method: clinical testing. Allele origin: germline.
Comment: This sequence change creates a premature termination codon at position 291 in exon 7 (of 9) of BCS1L, p.(Arg291*). It is expected to result in an absent or disrupted protein product in a gene where loss of function is an established mechanism of disease. The variant is present in a large population cohort at a frequency of 0.003%, which is consistent with a recessive condition (rs201454788, 8/282,138 alleles, 0 homozygotes in gnomAD v2.1). The variant has been identified compound heterozygous with a second allele in a case diagnosed with Bjornstad syndrome (PMID: 17314340). Additionally, the variant demonstrates attenuated growth in a yeast complementation assay (PMID: 17314340). Based on the classification scheme RMH ACMG Guidelines v1.2.1, this variant is classified as PATHOGENIC. Following criteria are met: PVS1, PM2, PS3_Supporting.

Blueprint Genetics
Classification: Likely pathogenic for BCS1L-related disorders. Last evaluated: 2022-11-29. Review status: criteria provided, single submitter. Criteria: ACMG Guidelines, 2015. Collection method: clinical testing. Allele origin: germline. Affected: yes. Observed: 3 variant alleles.

Women's Health and Genetics/Laboratory Corporation of America, LabCorp
Classification: Likely pathogenic for Pili torti-deafness syndrome. Last evaluated: 2022-11-14. Review status: criteria provided, single submitter. Criteria: LabCorp Variant Classification Summary - May 2015. Collection method: clinical testing. Allele origin: germline.
Comment: Variant summary: BCS1L c.871C>T (p.Arg291X) results in a premature termination codon, predicted to cause a truncation of the encoded protein or absence of the protein due to nonsense mediated decay, which are commonly known mechanisms for disease. Truncations downstream of this position have been classified as pathogenic by our laboratory. The variant allele was found at a frequency of 2e-05 in 250748 control chromosomes (gnomAD). c.871C>T has been reported in the literature in a compound heterozygote individual affected with Bjornstad syndrome (Hinson_2007). The authors of this study also reported experimental evidence evaluating an impact on protein function, demonstrating in a yeast complementation assay that the mutant protein failed to rescue growth on a medium that requires an active respiratory-chain. They also showed decreased electron-transport activities with increased production of reactive oxygen species in lymphocytes acquired from patients with Bjornstad syndrome and complex III deficiency (however, no patient specific data were provided, Hinson_2007). Five ClinVar submitters (evaluation after 2014) cite the variant as uncertain significance (n=1), likely pathogenic (n=1) and pathogenic (n=3). Based on the evidence outlined above, the variant was classified as likely pathogenic.

GeneDx
Classification: Pathogenic. Last evaluated: 2022-09-01. Review status: criteria provided, single submitter. Criteria: GeneDx Variant Classification Process June 2021. Collection method: clinical testing. Allele origin: germline. Affected: yes.
Comment: Nonsense variant predicted to result in protein truncation or nonsense mediated decay in a gene for which loss of function is a known mechanism of disease; Not observed at significant frequency in large population cohorts (gnomAD); Published functional studies demonstrate a damaging effect as this variant results in mitochondrial dysfunction with reduced electron transport chain activity (Hinson et al., 2007); This variant is associated with the following publications: (PMID: 25525159, 29704315, 25914718, 17314340)

Baylor Genetics
Classification: Pathogenic for GRACILE syndrome. Review status: criteria provided, single submitter. Criteria: ACMG Guidelines, 2015. Collection method: clinical testing. Allele origin: germline.

Counsyl
Classification: Likely pathogenic for GRACILE syndrome. Last evaluated: 2017-04-11. Review status: no assertion criteria provided. Collection method: clinical testing. Allele origin: unknown. Not counted in ClinVar's aggregate classification.

Literature cited by the submitters: PubMed 12215968 (cited by Labcorp Genetics (formerly Invitae), Labcorp); PubMed 17314340 (cited by 3 submitters); PubMed 19162478 (cited by Labcorp Genetics (formerly Invitae), Labcorp); PubMed 19508421 (cited by Labcorp Genetics (formerly Invitae), Labcorp); PubMed 22277166 (cited by Labcorp Genetics (formerly Invitae), Labcorp); PubMed 25895478 (cited by Labcorp Genetics (formerly Invitae), Labcorp).

NM_001079866.2(BCS1L):c.871C>T (p.Arg291Ter)

Gene: BCS1L (BCS1 ubiquinol-cytochrome c reductase complex chaperone; plus strand). Cytogenetic location: 2q35.
Variant type: single nucleotide variant.
Coding change: c.871C>T on transcript NM_001079866.2 (MANE Select); coding-DNA position 871, C replaced by T.
Protein change: p.Arg291Ter; replaces arginine 291 with a stop codon.
Molecular consequence: nonsense. On other transcripts: non-coding transcript variant (1).
Genome position (GRCh38, 1-based): chr2:218,662,661, C>T. VCF-style: chr2-218662661-C-T. GRCh37 (hg19) VCF-style: chr2-219527384-C-T.
Other names: p.R291*:CGA>TGA; c.871C>T, p.Arg291Ter (NM_001257342.2, NM_001257343.2, NM_001257344.2 and 10 more transcripts); c.511C>T, p.Arg171Ter (NM_001318836.2, NM_001371451.1); c.370C>T, p.Arg124Ter (NM_001371452.1, NM_001371453.1, NM_001371454.1 and 3 more transcripts); short protein forms R291*, R171*, R124*.
Identifiers: ClinVar variation 214162 (VCV000214162.27), dbSNP rs201454788, ClinGen allele CA320362.